The following is an entry in ClinVar:

NM_005236.3(ERCC4):c.475G>A (p.Gly159Ser)

Gene: ERCC4 (ERCC excision repair 4, endonuclease catalytic subunit; plus strand). Cytogenetic location: 16p13.12.
Variant type: single nucleotide variant.
Coding change: c.475G>A on transcript NM_005236.3 (MANE Select); coding-DNA position 475, G replaced by A.
Protein change: p.Gly159Ser; replaces glycine 159 with serine.
Molecular consequence: missense variant.
Genome position (GRCh38, 1-based): chr16:13,926,647, G>A. VCF-style: chr16-13926647-G-A. GRCh37 (hg19) VCF-style: chr16-14020504-G-A.
Other names: c.475G>A (NM_005236.2); short protein forms G159S.
Identifiers: ClinVar variation 1397907 (VCV001397907.8), dbSNP rs181993439, ClinGen allele CA394819870.
Genomic context (GRCh38, chr16:13,926,647, plus strand): 5'-ATAATCGAGTCTTGTCAAGAAGCATTCATCTTGCGCCTCTTTCGCCAGAAAAACAAACGT[G>A]GTTTTATTAAAGCTTTCACAGACAATGCTGTTGCCTTTGATACTGGTTTTTGTCATGTGG-3'
Protein context (NP_005227.1, residues 149-169): LRLFRQKNKR[Gly159Ser]FIKAFTDNAV

ClinVar aggregate classification (germline): Uncertain significance. Review status: criteria provided, multiple submitters, no conflicts (2 of 4 stars). 2 submissions from 2 submitters: Uncertain significance (2). Last evaluated 2025-04-20.

Conditions:
Xeroderma pigmentosum, group F (XPF). Also called: XERODERMA PIGMENTOSUM VI; XP, GROUP F; XERODERMA PIGMENTOSUM, COMPLEMENTATION GROUP F; ERCC4-Related Xeroderma Pigmentosum; XERODERMA PIGMENTOSUM, TYPE F; Xeroderma pigmentosum, type 6. Identifiers: MedGen C0268140, MONDO:0010215, OMIM 278760.
Cockayne syndrome. Identifiers: Orphanet 191, MedGen C0009207, MONDO:0016006.
Fanconi anemia complementation group Q. Identifiers: Orphanet 84, MedGen C3808988, MONDO:0014108, OMIM 615272.
Inborn genetic diseases. Identifiers: MedGen C0950123, MeSH D030342.

gnomAD v4.1: 8 of 1,613,918 alleles (0.0005%); highest among the groups gnomAD compares: Middle Eastern, 0.016%; no homozygotes.

Submissions (2):

Ambry Genetics
Classification: Uncertain significance for Inborn genetic diseases. Last evaluated: 2025-04-20. Review status: criteria provided, single submitter. Criteria: Ambry Variant Classification Scheme 2023. Collection method: clinical testing. Allele origin: germline.

Labcorp Genetics (formerly Invitae), Labcorp
Classification: Uncertain significance for Fanconi anemia complementation group Q; Xeroderma pigmentosum, group F; Cockayne syndrome. Last evaluated: 2024-11-04. Review status: criteria provided, single submitter. Criteria: Invitae Variant Classification Sherloc (09022015). Collection method: clinical testing. Allele origin: germline.
Comment: This sequence change replaces glycine, which is neutral and non-polar, with serine, which is neutral and polar, at codon 159 of the ERCC4 protein (p.Gly159Ser). This variant is not present in population databases (gnomAD no frequency). This variant has not been reported in the literature in individuals affected with ERCC4-related conditions. ClinVar contains an entry for this variant (Variation ID: 1397907). Invitae Evidence Modeling of protein sequence and biophysical properties (such as structural, functional, and spatial information, amino acid conservation, physicochemical variation, residue mobility, and thermodynamic stability) indicates that this missense variant is expected to disrupt ERCC4 protein function with a positive predictive value of 80%. In summary, the available evidence is currently insufficient to determine the role of this variant in disease. Therefore, it has been classified as a Variant of Uncertain Significance.